The following is an entry in ClinVar:

ClinVar aggregate classification (germline): Pathogenic. Review status: criteria provided, multiple submitters, no conflicts (2 of 4 stars). 2 submissions from 2 submitters: Pathogenic (2). Last evaluated 2022-04-24.

Conditions:
CNNM4-related disorder. Also called: CNNM4-related condition.

Submissions (2):

Labcorp Genetics (formerly Invitae), Labcorp
Classification: Pathogenic. Last evaluated: 2022-04-24. Review status: criteria provided, single submitter. Criteria: Invitae Variant Classification Sherloc (09022015). Collection method: clinical testing. Allele origin: germline.
Comment: For these reasons, this variant has been classified as Pathogenic. This variant has not been reported in the literature in individuals affected with CNNM4-related conditions. This variant is not present in population databases (gnomAD no frequency). This sequence change creates a premature translational stop signal (p.Gly205Serfs*26) in the CNNM4 gene. It is expected to result in an absent or disrupted protein product. Loss-of-function variants in CNNM4 are known to be pathogenic (PMID: 19200525).

Blueprint Genetics
Classification: Pathogenic for CNNM4-related disorders. Last evaluated: 2021-06-16. Review status: criteria provided, single submitter. Criteria: ACMG Guidelines, 2015. Collection method: clinical testing. Allele origin: germline. Affected: yes. Observed: 3 variant alleles.

Literature cited by the submitters: PubMed 19200525 (cited by Labcorp Genetics (formerly Invitae), Labcorp).

NM_020184.4(CNNM4):c.613_621delinsA (p.Gly205fs)

Gene: CNNM4 (cyclin and CBS domain divalent metal cation transport mediator 4; plus strand). Cytogenetic location: 2q11.2.
Variant type: Indel.
Coding change: c.613_621delinsA on transcript NM_020184.4 (MANE Select); coding-DNA positions 613 to 621, GGGCTTATG replaced by A.
Protein change: p.Gly205fs; shifts the reading frame from glycine 205.
Molecular consequence: frameshift variant.
Genome position (GRCh38, 1-based): chr2:96,761,612-96,761,620, GGGCTTATG replaced by A. VCF-style: chr2-96761612-GGGCTTATG-A. GRCh37 (hg19) VCF-style: chr2-97427349-GGGCTTATG-A.
Other names: short protein forms G205fs.
Identifiers: ClinVar variation 867091 (VCV000867091.6), dbSNP rs2078763986, ClinGen allele CA916082547.